The following is an entry in ClinVar:

ClinVar aggregate classification (germline): Pathogenic (1 of 4 stars; one submission).

Conditions:
Carnitine acylcarnitine translocase deficiency (CACTD). Identifiers: Orphanet 159, MedGen C0342791, MONDO:0008918, OMIM 212138.

Allele frequency attached by ClinVar (database versions not stated): gnomAD exomes below 0.00001; ExAC 0.00001.

Submission:

Labcorp Genetics (formerly Invitae), Labcorp
Classification: Pathogenic for Carnitine acylcarnitine translocase deficiency. Last evaluated: 2022-12-31. Review status: criteria provided, single submitter. Criteria: Invitae Variant Classification Sherloc (09022015). Collection method: clinical testing. Allele origin: germline.
Comment: For these reasons, this variant has been classified as Pathogenic. This variant has not been reported in the literature in individuals affected with SLC25A20-related conditions. This variant is present in population databases (rs771056448, gnomAD 0.0009%). This sequence change creates a premature translational stop signal (p.Leu71Tyrfs*58) in the SLC25A20 gene. It is expected to result in an absent or disrupted protein product. Loss-of-function variants in SLC25A20 are known to be pathogenic (PMID: 25614308).

Literature cited by the submitters: PubMed 25614308.

NM_000387.6(SLC25A20):c.211del (p.Leu71fs)

Gene: SLC25A20 (solute carrier family 25 member 20; minus strand). Cytogenetic location: 3p21.31.
Variant type: Deletion.
Coding change: c.211del on transcript NM_000387.6 (MANE Select); coding-DNA position 211, one base deleted (C; older notation c.211delC).
Protein change: p.Leu71fs; shifts the reading frame from leucine 71.
Molecular consequence: frameshift variant.
Genome position (GRCh38, 1-based): chr3:48,884,112, G deleted on the plus strand (C on the coding strand, the reverse complement: SLC25A20 is on the minus strand). VCF-style (leftmost placement, unchanged base first): chr3-48884111-AG-A. GRCh37 (hg19) VCF-style: chr3-48921544-AG-A.
Other names: short protein forms L71fs.
Identifiers: ClinVar variation 2822351 (VCV002822351.3), dbSNP rs771056448, ClinGen allele CA2387456.